The following is an entry in ClinVar:

ClinVar aggregate classification (germline): Uncertain significance. Review status: criteria provided, multiple submitters, no conflicts (2 of 4 stars). 2 submissions from 2 submitters: Uncertain significance (2). Last evaluated 2025-12-10.

Conditions:
Inborn genetic diseases. Identifiers: MedGen C0950123, MeSH D030342.

gnomAD v4.1: 340 of 1,605,068 alleles (0.021%); highest among the groups gnomAD compares: Non-Finnish European, 0.027%; no homozygotes.

Submissions (2):

Ambry Genetics
Classification: Uncertain significance for Inborn genetic diseases. Last evaluated: 2025-12-10. Review status: criteria provided, single submitter. Criteria: Ambry Variant Classification Scheme 2023. Collection method: clinical testing. Allele origin: germline.

Labcorp Genetics (formerly Invitae), Labcorp
Classification: Uncertain significance. Last evaluated: 2025-09-04. Review status: criteria provided, single submitter. Criteria: Invitae Variant Classification Sherloc (09022015). Collection method: clinical testing. Allele origin: germline.
Comment: This sequence change replaces leucine, which is neutral and non-polar, with isoleucine, which is neutral and non-polar, at codon 1480 of the ROBO1 protein (p.Leu1480Ile). This variant is present in population databases (rs377543379, gnomAD 0.02%). This variant has not been reported in the literature in individuals affected with ROBO1-related conditions. ClinVar contains an entry for this variant (Variation ID: 3713804). An algorithm developed to predict the effect of missense changes on protein structure and function (PolyPhen-2) suggests that this variant is likely to be disruptive. In summary, the available evidence is currently insufficient to determine the role of this variant in disease. Therefore, it has been classified as a Variant of Uncertain Significance.

NM_002941.4(ROBO1):c.4438C>A (p.Leu1480Ile)

Gene: ROBO1 (roundabout guidance receptor 1; minus strand). Cytogenetic location: 3p12.3.
Variant type: single nucleotide variant.
Coding change: c.4438C>A on transcript NM_002941.4 (MANE Select); coding-DNA position 4438, C replaced by A.
Protein change: p.Leu1480Ile; replaces leucine 1480 with isoleucine.
Molecular consequence: missense variant.
Genome position (GRCh38, 1-based): chr3:78,607,039, G>T on the plus strand (C>A on the coding strand, the complement: ROBO1 is on the minus strand). VCF-style: chr3-78607039-G-T. GRCh37 (hg19) VCF-style: chr3-78656189-G-T.
Other names: c.4138C>A, p.Leu1380Ile (NM_001145845.2); c.4303C>A, p.Leu1435Ile (NM_133631.4); c.4438C>A (NM_002941.3); short protein forms L1435I, L1380I, L1480I.
Identifiers: ClinVar variation 3713804 (VCV003713804.3).